The following is an entry in ClinVar:

ClinVar aggregate classification (germline): Pathogenic (1 of 4 stars; one submission).

Conditions:
Zellweger spectrum disorders (ZS). Also called: Zellweger Spectrum Disorder; Zellweger Spectrum; Zellweger Spectrum Disorder (ZSD); Zellweger syndrome. Identifiers: Orphanet 912, MedGen C0043459, MONDO:0019609.

Allele frequency attached by ClinVar (database versions not stated): TOPMed below 0.00001.

Submission:

Labcorp Genetics (formerly Invitae), Labcorp
Classification: Pathogenic for Zellweger spectrum disorders. Last evaluated: 2023-08-16. Review status: criteria provided, single submitter. Criteria: Invitae Variant Classification Sherloc (09022015). Collection method: clinical testing. Allele origin: germline.
Comment: For these reasons, this variant has been classified as Pathogenic. This variant has not been reported in the literature in individuals affected with PEX1-related conditions. This variant is not present in population databases (gnomAD no frequency). This sequence change creates a premature translational stop signal (p.Trp388*) in the PEX1 gene. It is expected to result in an absent or disrupted protein product. Loss-of-function variants in PEX1 are known to be pathogenic (PMID: 21031596, 26387595, 31831025).

Literature cited by the submitters: PubMed 21031596; PubMed 26387595; PubMed 31831025.

NM_000466.3(PEX1):c.1164G>A (p.Trp388Ter)

Gene: PEX1 (peroxisomal biogenesis factor 1; minus strand). Cytogenetic location: 7q21.2.
Variant type: single nucleotide variant.
Coding change: c.1164G>A on transcript NM_000466.3 (MANE Select); coding-DNA position 1164, G replaced by A.
Protein change: p.Trp388Ter; replaces tryptophan 388 with a stop codon.
Molecular consequence: nonsense.
Genome position (GRCh38, 1-based): chr7:92,517,351, C>T on the plus strand (G>A on the coding strand, the complement: PEX1 is on the minus strand). VCF-style: chr7-92517351-C-T. GRCh37 (hg19) VCF-style: chr7-92146665-C-T.
Other names: c.1164G>A, p.Trp388Ter (NM_001282677.2); c.540G>A, p.Trp180Ter (NM_001282678.2); short protein forms W180*, W388*.
Identifiers: ClinVar variation 2752831 (VCV002752831.3), dbSNP rs910803999, ClinGen allele CA161973254.
Genomic context (GRCh38, chr7:92,517,351, plus strand): 5'-ATGGAGAACTTCTACATTTTTGGTATATTTGATGGCATTGTTCAATTCTTCAAGTCCATT[C>T]CAGACTACTTGTAGCACACAGGCCTTCTCATCTTCTTCATTATGATCTGACCTAATTTTT-3'